The following is an entry in ClinVar:

ClinVar aggregate classification (germline): Conflicting classifications of pathogenicity. Review status: criteria provided, conflicting classifications (1 of 4 stars). 5 submissions from 5 submitters: Uncertain significance (1); Likely benign (3). 1 of the submissions does not count toward it. Last evaluated 2026-05-21.

Conditions:
Familial hemophagocytic lymphohistiocytosis 5. Also called: STXBP2-Related Familial Hemophagocytic Lymphohistiocytosis (STXBP2-fHLH). Identifiers: Orphanet 540, MedGen C2751293, MONDO:0013135, OMIM 613101.
STXBP2-related disorder. Also called: STXBP2-related condition.

Allele frequency attached by ClinVar (database versions not stated): gnomAD exomes 0.00002; ExAC 0.00003; gnomAD 0.00003 and 0.00004; TOPMed 0.00004.
gnomAD v4.1: 40 of 1,599,052 alleles (0.0025%); highest among the groups gnomAD compares: Admixed American, 0.0088%; no homozygotes.

Submissions (5):

Women's Health and Genetics/Laboratory Corporation of America, LabCorp
Classification: Likely benign. Last evaluated: 2026-05-21. Review status: criteria provided, single submitter. Criteria: LabCorp Variant Classification Summary - May 2015. Collection method: clinical testing. Allele origin: germline.

Labcorp Genetics (formerly Invitae), Labcorp
Classification: Likely benign for Familial hemophagocytic lymphohistiocytosis 5. Last evaluated: 2026-01-28. Review status: criteria provided, single submitter. Criteria: Invitae Variant Classification Sherloc (09022015). Collection method: clinical testing. Allele origin: germline.

Blueprint Genetics
Classification: Likely benign. Last evaluated: 2024-11-17. Review status: criteria provided, single submitter. Criteria: ACMG Guidelines, 2015. Collection method: clinical testing. Allele origin: germline.

Illumina Laboratory Services, Illumina
Classification: Uncertain significance for Familial hemophagocytic lymphohistiocytosis 5. Last evaluated: 2018-01-13. Review status: criteria provided, single submitter. Criteria: ICSL Variant Classification Criteria 13 December 2019. Collection method: clinical testing. Allele origin: germline.

PreventionGenetics, part of Exact Sciences
Classification: Likely benign for STXBP2-related condition. Last evaluated: 2020-03-13. Review status: no assertion criteria provided. Collection method: clinical testing. Allele origin: germline. Not counted in ClinVar's aggregate classification.
Comment: This variant is classified as likely benign based on ACMG/AMP sequence variant interpretation guidelines (Richards et al. 2015 PMID: 25741868, with internal and published modifications).

NM_006949.4(STXBP2):c.1452+7G>T

Gene: STXBP2 (syntaxin binding protein 2; plus strand). Cytogenetic location: 19p13.2.
Variant type: single nucleotide variant.
Coding change: c.1452+7G>T on transcript NM_006949.4 (MANE Select); 7 bases into the intron after coding-DNA position 1452, G replaced by T.
Molecular consequence: intron variant.
Genome position (GRCh38, 1-based): chr19:7,646,351, G>T. VCF-style: chr19-7646351-G-T. GRCh37 (hg19) VCF-style: chr19-7711237-G-T.
Other names: c.1485+7G>T (NM_001272034.2); c.1443+7G>T (NM_001127396.3).
Identifiers: ClinVar variation 758650 (VCV000758650.19), dbSNP rs746604591, ClinGen allele CA9144159.